The following is an entry in ClinVar:

NM_022047.4(DEF6):c.503A>G (p.Gln168Arg)

Gene: DEF6 (DEF6 guanine nucleotide exchange factor; plus strand). Cytogenetic location: 6p21.31.
Variant type: single nucleotide variant.
Coding change: c.503A>G on transcript NM_022047.4 (MANE Select); coding-DNA position 503, A replaced by G.
Protein change: p.Gln168Arg; replaces glutamine 168 with arginine.
Molecular consequence: missense variant.
Genome position (GRCh38, 1-based): chr6:35,312,381, A>G. VCF-style: chr6-35312381-A-G. GRCh37 (hg19) VCF-style: chr6-35280158-A-G.
Other names: short protein forms Q168R.
Identifiers: ClinVar variation 2059477 (VCV002059477.3), dbSNP rs1262385231, ClinGen allele CA363763056.
Genomic context (GRCh38, chr6:35,312,381, plus strand): 5'-AGGTACTCAGCAGCATGAGCTTGGAGGTGAGCTTGGGTGAGCTGGAGGAGCTTCTGGCCC[A>G]GGAGGCCCAGGTGGCCCAGACCACCGGGGGGCTCAGCGTCTGGCAGTTCCTGGAGCTCTT-3'
Protein context (NP_071330.3, residues 158-178): SLGELEELLA[Gln168Arg]EAQVAQTTGG

ClinVar aggregate classification (germline): Uncertain significance (1 of 4 stars; one submission).

Allele frequency attached by ClinVar (database versions not stated): gnomAD exomes 0.00001; gnomAD 0.00002; TOPMed 0.00003.
gnomAD v4.1: 24 of 1,614,008 alleles (0.0015%); highest among the groups gnomAD compares: Non-Finnish European, 0.0019%; no homozygotes.

Submission:

Labcorp Genetics (formerly Invitae), Labcorp
Classification: Uncertain significance. Last evaluated: 2024-10-29. Review status: criteria provided, single submitter. Criteria: Invitae Variant Classification Sherloc (09022015). Collection method: clinical testing. Allele origin: germline.
Comment: This sequence change replaces glutamine, which is neutral and polar, with arginine, which is basic and polar, at codon 168 of the DEF6 protein (p.Gln168Arg). This variant is not present in population databases (gnomAD no frequency). This variant has not been reported in the literature in individuals affected with DEF6-related conditions. ClinVar contains an entry for this variant (Variation ID: 2059477). An algorithm developed to predict the effect of missense changes on protein structure and function (PolyPhen-2) suggests that this variant¬†is likely to be tolerated. In summary, the available evidence is currently insufficient to determine the role of this variant in disease. Therefore, it has been classified as a Variant of Uncertain Significance.